The following is an entry in ClinVar:

NM_001378454.1(ALMS1):c.8225G>C (p.Cys2742Ser)

Gene: ALMS1 (ALMS1 centrosome and basal body associated protein; plus strand). Cytogenetic location: 2p13.1.
Variant type: single nucleotide variant.
Coding change: c.8225G>C on transcript NM_001378454.1 (MANE Select); coding-DNA position 8225, G replaced by C.
Protein change: p.Cys2742Ser; replaces cysteine 2742 with serine.
Molecular consequence: missense variant.
Genome position (GRCh38, 1-based): chr2:73,490,184, G>C. VCF-style: chr2-73490184-G-C. GRCh37 (hg19) VCF-style: chr2-73717311-G-C.
Other names: c.8228G>C, p.Cys2743Ser (NM_015120.4); short protein forms C2742S, C2743S.
Identifiers: ClinVar variation 2167572 (VCV002167572.1), dbSNP rs2466214831, ClinGen allele CA347267915.

ClinVar aggregate classification (germline): Uncertain significance (1 of 4 stars; one submission).

Conditions:
Alstrom syndrome (ALMS). Identifiers: Orphanet 64, MedGen C0268425, MONDO:0008763, OMIM 203800.

gnomAD v4.1: 1 of 1,614,186 alleles (0.000062%); highest among the groups gnomAD compares: Non-Finnish European, 0.000085%; no homozygotes.

Submission:

Labcorp Genetics (formerly Invitae), Labcorp
Classification: Uncertain significance for Alstrom syndrome. Last evaluated: 2022-06-13. Review status: criteria provided, single submitter. Criteria: Invitae Variant Classification Sherloc (09022015). Collection method: clinical testing. Allele origin: germline.
Comment: This sequence change replaces cysteine, which is neutral and slightly polar, with serine, which is neutral and polar, at codon 2743 of the ALMS1 protein (p.Cys2743Ser). This variant is not present in population databases (gnomAD no frequency). This variant has not been reported in the literature in individuals affected with ALMS1-related conditions. Experimental studies and prediction algorithms are not available or were not evaluated, and the functional significance of this variant is currently unknown. In summary, the available evidence is currently insufficient to determine the role of this variant in disease. Therefore, it has been classified as a Variant of Uncertain Significance.